The following is an entry in ClinVar:

ClinVar aggregate classification (germline): Uncertain significance (1 of 4 stars; one submission).

Submission:

Labcorp Genetics (formerly Invitae), Labcorp
Classification: Uncertain significance. Last evaluated: 2022-03-13. Review status: criteria provided, single submitter. Criteria: Invitae Variant Classification Sherloc (09022015). Collection method: clinical testing. Allele origin: germline.
Comment: In summary, the available evidence is currently insufficient to determine the role of this variant in disease. Therefore, it has been classified as a Variant of Uncertain Significance. Algorithms developed to predict the effect of missense changes on protein structure and function (SIFT, PolyPhen-2, Align-GVGD) all suggest that this variant is likely to be tolerated. This variant has not been reported in the literature in individuals affected with POLA1-related conditions. This variant is not present in population databases (gnomAD no frequency). This sequence change replaces histidine, which is basic and polar, with arginine, which is basic and polar, at codon 1412 of the POLA1 protein (p.His1412Arg).

NM_001330360.2(POLA1):c.4253A>G (p.His1418Arg)

Gene: POLA1 (DNA polymerase alpha 1, catalytic subunit; plus strand). Cytogenetic location: Xp21.3.
Variant type: single nucleotide variant.
Coding change: c.4253A>G on transcript NM_001330360.2 (MANE Select); coding-DNA position 4253, A replaced by G.
Protein change: p.His1418Arg; replaces histidine 1418 with arginine.
Molecular consequence: missense variant. On other transcripts: non-coding transcript variant (2).
Genome position (GRCh38, 1-based): chrX:24,930,541, A>G. VCF-style: chrX-24930541-A-G. GRCh37 (hg19) VCF-style: chrX-24948658-A-G.
Other names: c.4178A>G, p.His1393Arg (NM_001378303.1); c.4235A>G, p.His1412Arg (NM_016937.4); short protein forms H1412R, H1393R, H1418R.
Identifiers: ClinVar variation 2110642 (VCV002110642.4), dbSNP rs2518950649, ClinGen allele CA412608852.
Genomic context (GRCh38, chrX:24,930,541, plus strand): 5'-TGTGCTTTTACCGGTACATTTTTGATGCGGAGTGTGCACTGGAGAAACTTACTACCGATC[A>G]TGAGAAAGGTACGTTAAAATACTGTAATTACCTTTGAGTTTAAAGTGGAAATTTGCATTA-3'
Protein context (NP_001317289.1, residues 1408-1428): ECALEKLTTD[His1418Arg]EKDKLKKQFF